The following is an entry in ClinVar:

ClinVar aggregate classification (germline): Uncertain significance (1 of 4 stars; one submission).

Submission:

Labcorp Genetics (formerly Invitae), Labcorp
Classification: Uncertain significance. Last evaluated: 2024-06-23. Review status: criteria provided, single submitter. Criteria: Invitae Variant Classification Sherloc (09022015). Collection method: clinical testing. Allele origin: germline.
Comment: This sequence change falls in intron 13 of the OPHN1 gene. It does not directly change the encoded amino acid sequence of the OPHN1 protein. It affects a nucleotide within the consensus splice site. This variant is not present in population databases (gnomAD no frequency). This variant has not been reported in the literature in individuals affected with OPHN1-related conditions. Variants that disrupt the consensus splice site are a relatively common cause of aberrant splicing (PMID: 17576681, 9536098). Algorithms developed to predict the effect of sequence changes on RNA splicing suggest that this variant is not likely to affect RNA splicing. In summary, the available evidence is currently insufficient to determine the role of this variant in disease. Therefore, it has been classified as a Variant of Uncertain Significance.

Literature cited by the submitters: PubMed 17576681; PubMed 9536098.

NM_002547.3(OPHN1):c.1139-3C>T

Gene: OPHN1 (oligophrenin 1; minus strand). Cytogenetic location: Xq12.
Variant type: single nucleotide variant.
Coding change: c.1139-3C>T on transcript NM_002547.3 (MANE Select); 3 bases into the intron before coding-DNA position 1139, C replaced by T.
Molecular consequence: intron variant.
Genome position (GRCh38, 1-based): chrX:68,193,955, G>A on the plus strand (C>T on the coding strand, the complement: OPHN1 is on the minus strand). VCF-style: chrX-68193955-G-A. GRCh37 (hg19) VCF-style: chrX-67413797-G-A.
Identifiers: ClinVar variation 3657527 (VCV003657527.2).